The following is an entry in ClinVar:

NM_018834.6(MATR3):c.2283C>T (p.Asn761=)

Gene: MATR3 (matrin 3; plus strand). Cytogenetic location: 5q31.2.
Variant type: single nucleotide variant.
Coding change: c.2283C>T on transcript NM_018834.6 (MANE Select); coding-DNA position 2283, C replaced by T.
Protein change: p.Asn761=; no amino-acid change (asparagine 761 retained).
Molecular consequence: synonymous variant.
Genome position (GRCh38, 1-based): chr5:139,325,574, C>T. VCF-style: chr5-139325574-C-T. GRCh37 (hg19) VCF-style: chr5-138661263-C-T.
Other names: c.2283C>T, p.Asn761= (NM_001194954.2, NM_001194955.2, NM_199189.3); c.1419C>T, p.Asn473= (NM_001194956.2); c.1269C>T, p.Asn423= (NM_001282278.2).
Identifiers: ClinVar variation 351137 (VCV000351137.13), dbSNP rs189752689, ClinGen allele CA3433411.

ClinVar aggregate classification (germline): Benign. Review status: criteria provided, multiple submitters, no conflicts (2 of 4 stars). 2 submissions from 2 submitters: Benign (2). Last evaluated 2026-01-27.

Conditions:
Amyotrophic lateral sclerosis type 21. Also called: VOCAL CORD AND PHARYNGEAL DYSFUNCTION WITH DISTAL MYOPATHY; MYOPATHY, DISTAL, 2. Identifiers: Orphanet 600, Orphanet 803, MedGen C3807521, MONDO:0011632, OMIM 606070.

Allele frequency attached by ClinVar (database versions not stated): gnomAD 0.00014 and 0.00027; TOPMed 0.00035; gnomAD exomes 0.00044 and 0.00070; ExAC 0.00072; 1000 Genomes Project 30x 0.00156; 1000 Genomes Project 0.00180.
gnomAD v4.1: 678 of 1,614,154 alleles (0.042%); highest among the groups gnomAD compares: East Asian, 1.5%; 6 homozygotes.

Submissions (2):

Labcorp Genetics (formerly Invitae), Labcorp
Classification: Benign for Amyotrophic lateral sclerosis type 21. Last evaluated: 2026-01-27. Review status: criteria provided, single submitter. Criteria: Invitae Variant Classification Sherloc (09022015). Collection method: clinical testing. Allele origin: germline.

Illumina Laboratory Services, Illumina
Classification: Benign for Amyotrophic lateral sclerosis type 21. Last evaluated: 2018-01-12. Review status: criteria provided, single submitter. Criteria: ICSL Variant Classification Criteria 13 December 2019. Collection method: clinical testing. Allele origin: germline.
Comment: This variant was observed in the ICSL laboratory as part of a predisposition screen in an ostensibly healthy population. It had not been previously curated by ICSL or reported in the Human Gene Mutation Database (HGMD: prior to June 1st, 2018), and was therefore a candidate for classification through an automated scoring system. Utilizing variant allele frequency, disease prevalence and penetrance estimates, and inheritance mode, an automated score was calculated to assess if this variant is too frequent to cause the disease. Based on the score and internal cut-off values, a variant classified as benign is not then subjected to further curation. The score for this variant resulted in a classification of benign for this disease.